The following is an entry in ClinVar:

ClinVar aggregate classification (germline): Conflicting classifications of pathogenicity. Review status: criteria provided, conflicting classifications (1 of 4 stars). 14 submissions from 14 submitters: Uncertain significance (10); Likely benign (2). 2 of the submissions do not count toward it. Last evaluated 2025-05-06.

Conditions:
Breast-ovarian cancer, familial, susceptibility to, 1 (BROVCA1). Also called: BRCA1 Hereditary Breast and Ovarian Cancer; OVARIAN CANCER, SUSCEPTIBILITY TO. Identifiers: Orphanet 145, MedGen C2676676, MONDO:0011450, OMIM 604370. Disease mechanism: loss of function.
Familial cancer of breast. Also called: hereditary breast carcinoma; BREAST CANCER, FAMILIAL; Hereditary breast cancer. Identifiers: Orphanet 227535, MedGen C0346153, MONDO:0016419, OMIM 114480. Disease mechanism: loss of function.
Fanconi anemia, complementation group S (FANCS). Identifiers: MedGen C4554406, MONDO:0054748, OMIM 617883.
Hereditary cancer-predisposing syndrome. Also called: Hereditary Cancer Syndrome; Hereditary neoplastic syndrome; Neoplastic Syndromes, Hereditary; Tumor predisposition. Identifiers: Orphanet 140162, MedGen C0027672, MeSH D009386, MONDO:0015356.
Hereditary breast ovarian cancer syndrome. Also called: BRCA1- and BRCA2-Associated Hereditary Breast and Ovarian Cancer; Hereditary breast and ovarian cancer syndrome; Hereditary breast and ovarian cancer syndrome (HBOC); Breast and ovarian cancer; Hereditary breast and/or ovarian cancer syndrome; Hereditary breast and ovarian cancer. Identifiers: Orphanet 145, MedGen C0677776, MeSH D061325, MONDO:0003582. Disease mechanism: loss of function.

Allele frequency attached by ClinVar (database versions not stated): gnomAD exomes 0.00001; TOPMed below 0.00001; ExAC 0.00001.
gnomAD v4.1: 12 of 1,614,198 alleles (0.00074%); highest among the groups gnomAD compares: Non-Finnish European, 0.00093%; no homozygotes.

Submissions 1 to 8 of 14:

Ambry Genetics
Classification: Uncertain significance for Hereditary cancer-predisposing syndrome. Last evaluated: 2025-05-06. Review status: criteria provided, single submitter. Criteria: Ambry Variant Classification Scheme 2023. Collection method: clinical testing. Allele origin: germline.
Comment: The p.K1290E variant (also known as c.3868A>G), located in coding exon 9 of the BRCA1 gene, results from an A to G substitution at nucleotide position 3868. The lysine at codon 1290 is replaced by glutamic acid, an amino acid with similar properties. This alteration has been reported in individuals diagnosed with breast and/or ovarian cancer (Minucci A et al. Expert Rev. Mol. Diagn., 2015 Aug;15:1383-403; Azzollini J et al. Eur J Intern Med, 2016 Jul;32:65-71), as well as in a cohort of 418 Brazilian individuals who met testing criteria for Hereditary Breast and Ovarian Cancer (HBOC) syndrome (Alemar B et al. PLoS ONE, 2017 Nov;12:e0187630). This amino acid position is poorly conserved in available vertebrate species. In addition, the in silico prediction for this alteration is inconclusive. Based on the available evidence, the clinical significance of this variant remains unclear.

Center for Genomic Medicine, Rigshospitalet, Copenhagen University Hospital
Classification: Uncertain significance. Last evaluated: 2025-03-04. Review status: criteria provided, single submitter. Criteria: ACMG Guidelines, 2015. Collection method: clinical testing. Allele origin: germline.

Labcorp Genetics (formerly Invitae), Labcorp
Classification: Uncertain significance for Hereditary breast ovarian cancer syndrome. Last evaluated: 2025-01-21. Review status: criteria provided, single submitter. Criteria: Invitae Variant Classification Sherloc (09022015). Collection method: clinical testing. Allele origin: germline.
Comment: This sequence change replaces lysine, which is basic and polar, with glutamic acid, which is acidic and polar, at codon 1290 of the BRCA1 protein (p.Lys1290Glu). This variant is present in population databases (rs80357254, gnomAD 0.002%). This missense change has been observed in individual(s) with a personal and/or family history of breast and/or ovarian cancer (PMID: 26306726, 27062684, 29161300, 32438681). ClinVar contains an entry for this variant (Variation ID: 91617). Invitae Evidence Modeling of protein sequence and biophysical properties (such as structural, functional, and spatial information, amino acid conservation, physicochemical variation, residue mobility, and thermodynamic stability) indicates that this missense variant is not expected to disrupt BRCA1 protein function with a negative predictive value of 80%. In summary, the available evidence is currently insufficient to determine the role of this variant in disease. Therefore, it has been classified as a Variant of Uncertain Significance.

Blueprint Genetics
Classification: Likely benign. Last evaluated: 2024-10-15. Review status: criteria provided, single submitter. Criteria: ACMG Guidelines, 2015. Collection method: clinical testing. Allele origin: germline.

Color Diagnostics, LLC DBA Color Health
Classification: Uncertain significance for Hereditary cancer-predisposing syndrome. Last evaluated: 2024-07-30. Review status: criteria provided, single submitter. Criteria: ACMG Guidelines, 2015. Collection method: clinical testing. Allele origin: germline.
Comment: This missense variant replaces lysine with glutamic acid at codon 1290 of the BRCA1 protein. Computational prediction suggests that this variant may not impact protein structure and function. To our knowledge, functional studies have not been reported for this variant. This variant has been observed in two suspected hereditary breast and ovarian cancer families (PMID: 27062684, 29161300), an individual affected with ovarian cancer who also carried a deleterious BRCA2 exon 20 deletion (PMID: 26306726, 32438681), and an individual affected with breast or ovarian cancer (PMID: 34284872). A multifactorial analysis has reported a likelihood ratio for pathogenicity of 0.286 (from reported log(LR) = -0.544) based on personal and family history (PMID: 31853058). This variant has been identified in 2/251164 chromosomes in the general population by the Genome Aggregation Database (gnomAD). The available evidence is insufficient to determine the role of this variant in disease conclusively. Therefore, this variant is classified as a Variant of Uncertain Significance.

Women's Health and Genetics/Laboratory Corporation of America, LabCorp
Classification: Uncertain significance. Last evaluated: 2024-04-24. Review status: criteria provided, single submitter. Criteria: LabCorp Variant Classification Summary - May 2015. Collection method: clinical testing. Allele origin: germline.
Comment: Variant summary: BRCA1 c.3868A>G (p.Lys1290Glu) results in a conservative amino acid change in the encoded protein sequence. Five of five in-silico tools predict a benign effect of the variant on protein function. The variant allele was found at a frequency of 8e-06 in 251164 control chromosomes. The available data on variant occurrences in the general population are insufficient to allow any conclusion about variant significance. c.3868A>G has been reported in the literature in individuals affected with Breast and Ovarian Cancer (Alemar_2017, Azzollini_2016, Minucci_2015, Krivokuca_BRCA2_2022, Santonocito_2020). These report(s) do not provide unequivocal conclusions about association of the variant with Hereditary Breast and Ovarian Cancer. Co-occurrences with other pathogenic variant(s) have been reported (BRCA2 exon 20 del (Minucci_2015)), providing supporting evidence for a benign role. To our knowledge, no experimental evidence demonstrating an impact on protein function has been reported. The following publications have been ascertained in the context of this evaluation (PMID: 29161300, 27062684, 26306726, 34284872, 32438681). ClinVar contains an entry for this variant (Variation ID: 91617). Based on the evidence outlined above, the variant was classified as uncertain significance.

All of Us Research Program, National Institutes of Health
Classification: Uncertain significance for Breast-ovarian cancer, familial, susceptibility to, 1. Last evaluated: 2023-09-05. Review status: criteria provided, single submitter. Criteria: ACMG Guidelines, 2015. Collection method: clinical testing. Allele origin: germline. Inheritance: Autosomal dominant inheritance. Observed: 2 variant alleles, 2 heterozygotes.
Comment: This missense variant replaces lysine with glutamic acid at codon 1290 of the BRCA1 protein. Computational prediction suggests that this variant may not impact protein structure and function (internally defined REVEL score threshold <= 0.5, PMID: 27666373). To our knowledge, functional studies have not been reported for this variant. This variant has been observed in two suspected hereditary breast and ovarian cancer families (PMID: 27062684, 29161300) and an individual affected with ovarian cancer who also carried a BRCA2 copy number variant (PMID: 26306726, 32438681). This variant has been identified in 2/251164 chromosomes in the general population by the Genome Aggregation Database (gnomAD). The available evidence is insufficient to determine the role of this variant in disease conclusively. Therefore, this variant is classified as a Variant of Uncertain Significance.

This study involves interpretation of variants in research participants for the purpose of population health screening. Participant phenotype was not available at the time of variant classification. Additional details can be found in publication PMID: 35346344, PMCID: PMC8962531

University of Washington Department of Laboratory Medicine, University of Washington
Classification: Likely benign for Hereditary cancer-predisposing syndrome. Last evaluated: 2023-03-23. Review status: criteria provided, single submitter. Criteria: Dines et al. (Genet Med. 2020). Collection method: curation. Allele origin: germline.
Comment: Missense variant in a coldspot region where missense variants are very unlikely to be pathogenic (PMID:31911673).

BRCA1 coldspot (exon 11 using historical exon numbering). Reclassification based on statistical prior probability

NM_007294.4(BRCA1):c.3868A>G (p.Lys1290Glu)

Genes: BRCA1 (BRCA1 DNA repair associated; minus strand), LOC126862571 (BRD4-independent group 4 enhancer GRCh37_chr17:41243136-41244335; plus strand). Cytogenetic location: 17q21.31.
Variant type: single nucleotide variant.
Coding change: c.3868A>G on transcript NM_007294.4 (MANE Select); coding-DNA position 3868, A replaced by G.
Protein change: p.Lys1290Glu; replaces lysine 1290 with glutamic acid.
Molecular consequence: missense variant. On other transcripts: intron variant (135).
Genome position (GRCh38, 1-based): chr17:43,091,663, T>C on the plus strand (A>G on the coding strand, the complement: BRCA1 is on the minus strand). VCF-style: chr17-43091663-T-C. GRCh37 (hg19) VCF-style: chr17-41243680-T-C.
Other names: 3987A>G; c.3655A>G, p.Lys1219Glu (NM_001407895.1, NM_001407896.1, NM_001407897.1 and 9 more transcripts); c.3658A>G, p.Lys1220Glu (NM_001407900.1, NM_001407902.1, NM_001407904.1 and 13 more transcripts); c.3745A>G, p.Lys1249Glu (NM_001407919.1, NM_001407937.1, NM_001407938.1 and 19 more transcripts); c.3604A>G, p.Lys1202Glu (NM_001407920.1, NM_001407921.1, NM_001407922.1 and 9 more transcripts); c.3601A>G, p.Lys1201Glu (NM_001407930.1, NM_001407931.1, NM_001407932.1 and 2 more transcripts); c.3742A>G, p.Lys1248Glu (NM_001407940.1, NM_001407941.1, NM_001407649.1 and 11 more transcripts); c.3727A>G, p.Lys1243Glu (NM_001407942.1, NM_001407944.1, NM_001407945.1 and 29 more transcripts); and 42 more; short protein forms K1290E, K1243E, K1178E, K1201E, K1202E, K1287E, K1289E, K1163E.
Identifiers: ClinVar variation 91617 (VCV000091617.39), dbSNP rs80357254, ClinGen allele CA002491.